The following is an entry in ClinVar:

NM_001036.6(RYR3):c.5875C>G (p.Leu1959Val)

Gene: RYR3 (ryanodine receptor 3; plus strand). Cytogenetic location: 15q14.
Variant type: single nucleotide variant.
Coding change: c.5875C>G on transcript NM_001036.6 (MANE Select); coding-DNA position 5875, C replaced by G.
Protein change: p.Leu1959Val; replaces leucine 1959 with valine.
Molecular consequence: missense variant.
Genome position (GRCh38, 1-based): chr15:33,696,232, C>G. VCF-style: chr15-33696232-C-G. GRCh37 (hg19) VCF-style: chr15-33988433-C-G.
Other names: c.5875C>G, p.Leu1959Val (NM_001243996.4); short protein forms L1959V.
Identifiers: ClinVar variation 1045174 (VCV001045174.9), dbSNP rs776190758, ClinGen allele CA391581192.

ClinVar aggregate classification (germline): Uncertain significance (1 of 4 stars; one submission).

Conditions:
Epileptic encephalopathy. Identifiers: MedGen C0543888, HP:0200134.

Submission:

Labcorp Genetics (formerly Invitae), Labcorp
Classification: Uncertain significance for Epileptic encephalopathy. Last evaluated: 2020-07-30. Review status: criteria provided, single submitter. Criteria: Invitae Variant Classification Sherloc (09022015). Collection method: clinical testing. Allele origin: germline.
Comment: This variant is not present in population databases (ExAC no frequency). This sequence change replaces leucine with valine at codon 1959 of the RYR3 protein (p.Leu1959Val). The leucine residue is highly conserved and there is a small physicochemical difference between leucine and valine. This variant has not been reported in the literature in individuals with RYR3-related conditions. In summary, the available evidence is currently insufficient to determine the role of this variant in disease. Therefore, it has been classified as a Variant of Uncertain Significance. Algorithms developed to predict the effect of missense changes on protein structure and function (SIFT, PolyPhen-2, Align-GVGD) all suggest that this variant is likely to be disruptive, but these predictions have not been confirmed by published functional studies and their clinical significance is uncertain.